The following is an entry in ClinVar:

NM_022051.3(EGLN1):c.24C>T (p.Pro8=)

Gene: EGLN1 (egl-9 family hypoxia inducible factor 1; minus strand). Cytogenetic location: 1q42.2.
Variant type: single nucleotide variant.
Coding change: c.24C>T on transcript NM_022051.3 (MANE Select); coding-DNA position 24, C replaced by T.
Protein change: p.Pro8=; no amino-acid change (proline 8 retained).
Molecular consequence: synonymous variant.
Genome position (GRCh38, 1-based): chr1:231,421,865, G>A on the plus strand (C>T on the coding strand, the complement: EGLN1 is on the minus strand). VCF-style: chr1-231421865-G-A. GRCh37 (hg19) VCF-style: chr1-231557611-G-A.
Other names: c.24C>T, p.Pro8= (NM_001377260.1, NM_001377261.1).
Identifiers: ClinVar variation 1127483 (VCV001127483.23), dbSNP rs766080154, ClinGen allele CA1453217.
Genomic context (GRCh38, chr1:231,421,865, plus strand): 5'-CTCCATCTTCCCGCACAGCTCGCAGTACTGCCGGTCTCGCTCGCTCGGGCTCGGCCCGCC[G>A]GGCCCGCCGCTGTCATTGGCCATGGCGGCGGCGGCGGCGGCGACGGCGACTGCGGCGGCC-3'
Protein context (NP_071334.1, residues 1-18): MANDSGG[Pro8=]GGPSPSERDR

ClinVar aggregate classification (germline): Likely benign. Review status: criteria provided, multiple submitters, no conflicts (2 of 4 stars). 3 submissions from 3 submitters: Likely benign (3). Last evaluated 2025-08-01.

Conditions:
Erythrocytosis, familial, 3 (ECYT3). Identifiers: Orphanet 247511, MedGen C1853286, MONDO:0012353, OMIM 609820.

Allele frequency attached by ClinVar (database versions not stated): gnomAD 0.00002 and 0.00004; gnomAD exomes 0.00008; ExAC 0.00009.
gnomAD v4.1: 68 of 1,495,044 alleles (0.0045%); highest among the groups gnomAD compares: South Asian, 0.05%; no homozygotes.

Submissions (3):

CeGaT Center for Human Genetics Tuebingen
Classification: Likely benign. Last evaluated: 2025-08-01. Review status: criteria provided, single submitter. Criteria: CeGaT Center For Human Genetics Tuebingen Variant Classification Criteria Version 2. Collection method: clinical testing. Allele origin: germline. Affected: yes. Observed: 2 variant alleles.
Comment: EGLN1: BP4, BP7

Labcorp Genetics (formerly Invitae), Labcorp
Classification: Likely benign for Erythrocytosis, familial, 3. Last evaluated: 2022-11-24. Review status: criteria provided, single submitter. Criteria: Invitae Variant Classification Sherloc (09022015). Collection method: clinical testing. Allele origin: germline.

Ambry Genetics
Classification: Likely benign. Last evaluated: 2022-03-14. Review status: criteria provided, single submitter. Criteria: Ambry Variant Classification Scheme 2023. Collection method: clinical testing. Allele origin: germline.